The following is an entry in ClinVar:

ClinVar aggregate classification (germline): Uncertain significance. Review status: criteria provided, multiple submitters, no conflicts (2 of 4 stars). 3 submissions from 3 submitters: Uncertain significance (3). Last evaluated 2025-12-26.

Conditions:
Inborn genetic diseases. Identifiers: MedGen C0950123, MeSH D030342.
Ehlers-Danlos syndrome, dermatosparaxis type. Also called: EDS VIIC; Ehlers-Danlos syndrome, type VII, autosomal recessive; Dermatosparaxis. Identifiers: Orphanet 1901, MedGen C2700425, MONDO:0009161, OMIM 225410.

Allele frequency attached by ClinVar (database versions not stated): TOPMed 0.00001; ExAC 0.00002; gnomAD 0.00002.
gnomAD v4.1: 35 of 1,613,970 alleles (0.0022%); highest among the groups gnomAD compares: African/African-American, 0.0053%; no homozygotes.

Submissions (3):

Women's Health and Genetics/Laboratory Corporation of America, LabCorp
Classification: Uncertain significance. Last evaluated: 2025-12-26. Review status: criteria provided, single submitter. Criteria: LabCorp Variant Classification Summary - May 2015. Collection method: clinical testing. Allele origin: germline.
Comment: Variant summary: ADAMTS2 c.2183C>T (p.Thr728Met) results in a non-conservative amino acid change in the encoded protein sequence. Algorithms developed to predict the effect of missense changes on protein structure and function are either unavailable or do not agree on the potential impact of this missense change. The variant allele was found at a frequency of 4e-06 in 251226 control chromosomes. The available data on variant occurrences in the general population are insufficient to allow any conclusion about variant significance. To our knowledge, no occurrence of c.2183C>T in individuals affected with ADAMTS2-related conditions and no experimental evidence demonstrating its impact on protein function have been reported. ClinVar contains an entry for this variant (Variation ID: 2482050). Based on the evidence outlined above, the variant was classified as uncertain significance.

Ambry Genetics
Classification: Uncertain significance for Inborn genetic diseases. Last evaluated: 2023-02-07. Review status: criteria provided, single submitter. Criteria: Ambry Variant Classification Scheme 2023. Collection method: clinical testing. Allele origin: germline.

Department of Pathology and Laboratory Medicine, Sinai Health System
Classification: Uncertain significance for Ehlers-Danlos syndrome, dermatosparaxis type. Last evaluated: 2021-07-30. Review status: criteria provided, single submitter. Criteria: ACMG Guidelines, 2015. Collection method: research. Allele origin: germline.

NM_014244.5(ADAMTS2):c.2183C>T (p.Thr728Met)

Gene: ADAMTS2 (ADAM metallopeptidase with thrombospondin type 1 motif 2; minus strand). Cytogenetic location: 5q35.3.
Variant type: single nucleotide variant.
Coding change: c.2183C>T on transcript NM_014244.5 (MANE Select); coding-DNA position 2183, C replaced by T.
Protein change: p.Thr728Met; replaces threonine 728 with methionine.
Molecular consequence: missense variant.
Genome position (GRCh38, 1-based): chr5:179,132,803, G>A on the plus strand (C>T on the coding strand, the complement: ADAMTS2 is on the minus strand). VCF-style: chr5-179132803-G-A. GRCh37 (hg19) VCF-style: chr5-178559804-G-A.
Other names: short protein forms T728M.
Identifiers: ClinVar variation 2482050 (VCV002482050.4), dbSNP rs773172744, ClinGen allele CA3595645.
Genomic context (GRCh38, chr5:179,132,803, plus strand): 5'-CAGGCTCCAGGGTGGAGAGCAGGGACCCACTCACCATGCTTCTTGGGTGACCGTGTGAAC[G>A]TGCCCTTGACCACTTTGCAGTGGCTGTTGTCCCCTCCGCACACGCCACACTTGTCTTCCT-3'
Protein context (NP_055059.2, residues 718-738): DNSHCKVVKG[Thr728Met]FTRSPKKHGY